The following is an entry in ClinVar:

NM_004320.6(ATP2A1):c.1323C>T (p.Thr441=)

Gene: ATP2A1 (ATPase sarcoplasmic/endoplasmic reticulum Ca2+ transporting 1; plus strand). Cytogenetic location: 16p11.2.
Variant type: single nucleotide variant.
Coding change: c.1323C>T on transcript NM_004320.6 (MANE Select); coding-DNA position 1323, C replaced by T.
Protein change: p.Thr441=; no amino-acid change (threonine 441 retained).
Molecular consequence: synonymous variant.
Genome position (GRCh38, 1-based): chr16:28,894,857, C>T. VCF-style: chr16-28894857-C-T. GRCh37 (hg19) VCF-style: chr16-28906178-C-T.
Other names: c.948C>T, p.Thr316= (NM_001286075.2); c.1323C>T, p.Thr441= (NM_173201.5).
Identifiers: ClinVar variation 515725 (VCV000515725.9), dbSNP rs745749841, ClinGen allele CA7986931.
Genomic context (GRCh38, chr16:28,894,857, plus strand): 5'-CCTCTTCCTCCTCTGCCCATCTCAGGCCAAAGGTGTCTATGAGAAGGTCGGCGAGGCCAC[C>T]GAGACAGCACTCACCACCCTGGTGGAGAAGATGAATGTGTTCAACACGGATGTGAGAAGC-3'
Protein context (NP_004311.1, residues 431-451): KGVYEKVGEA[Thr441=]ETALTTLVEK

ClinVar aggregate classification (germline): Likely benign. Review status: criteria provided, multiple submitters, no conflicts (2 of 4 stars). 2 submissions from 2 submitters: Likely benign (2). Last evaluated 2022-08-23.

Conditions:
Brody myopathy. Also called: BRODY DISEASE. Identifiers: Orphanet 53347, MedGen C1832918, MONDO:0010977, OMIM 601003.

Allele frequency attached by ClinVar (database versions not stated): gnomAD exomes 0.00001; TOPMed 0.00001; ExAC 0.00002.
gnomAD v4.1: 9 of 1,611,478 alleles (0.00056%); highest among the groups gnomAD compares: Middle Eastern, 0.016%; no homozygotes.

Submissions (2):

Labcorp Genetics (formerly Invitae), Labcorp
Classification: Likely benign for Brody myopathy. Last evaluated: 2022-08-23. Review status: criteria provided, single submitter. Criteria: Invitae Variant Classification Sherloc (09022015). Collection method: clinical testing. Allele origin: germline.

GeneDx
Classification: Likely benign. Last evaluated: 2018-02-27. Review status: criteria provided, single submitter. Criteria: GeneDx Variant Classification (06012015). Collection method: clinical testing. Allele origin: germline. Affected: yes.
Comment: This variant is considered likely benign or benign based on one or more of the following criteria: it is a conservative change, it occurs at a poorly conserved position in the protein, it is predicted to be benign by multiple in silico algorithms, and/or has population frequency not consistent with disease.